The following is an entry in ClinVar:

ClinVar aggregate classification (germline): Conflicting classifications of pathogenicity. Review status: criteria provided, conflicting classifications (1 of 4 stars). 3 submissions from 3 submitters: Uncertain significance (2); Likely benign (1). Last evaluated 2026-01-23.

Conditions:
Inborn genetic diseases. Identifiers: MedGen C0950123, MeSH D030342.
DSPP-related disorder. Also called: DSPP-related condition.

Allele frequency attached by ClinVar (database versions not stated): gnomAD exomes 0.00002; ExAC 0.00007; gnomAD 0.00015; ESP Exome Variant Server 0.00016; TOPMed 0.00025; 1000 Genomes Project 30x 0.00031; 1000 Genomes Project 0.00040.

Submissions (3):

GeneDx
Classification: Uncertain significance. Last evaluated: 2026-01-23. Review status: criteria provided, single submitter. Criteria: GeneDx Variant Classification Process June 2021. Collection method: clinical testing. Allele origin: germline.
Comment: In silico analysis suggests that this missense variant does not alter protein structure/function; Has not been previously published as pathogenic or benign to our knowledge

PreventionGenetics, part of Exact Sciences
Classification: Likely benign for DSPP-related condition. Last evaluated: 2025-03-20. Review status: criteria provided, single submitter. Criteria: ACMG Guidelines, 2015. Collection method: clinical testing. Allele origin: germline.
Comment: This variant is classified as likely benign based on ACMG/AMP sequence variant interpretation guidelines (Richards et al. 2015 PMID: 25741868, with internal and published modifications).

Ambry Genetics
Classification: Uncertain significance for Inborn genetic diseases. Last evaluated: 2021-08-12. Review status: criteria provided, single submitter. Criteria: Ambry Variant Classification Scheme 2023. Collection method: clinical testing. Allele origin: germline.

NM_014208.3(DSPP):c.1490A>C (p.Glu497Ala)

Genes: DMP1-AS1 (DMP1 and DSPP antisense RNA 1; minus strand), DSPP (dentin sialophosphoprotein; plus strand). Cytogenetic location: 4q22.1.
Variant type: single nucleotide variant.
Coding change: c.1490A>C on transcript NM_014208.3 (MANE Select); coding-DNA position 1490, A replaced by C.
Protein change: p.Glu497Ala; replaces glutamic acid 497 with alanine.
Molecular consequence: missense variant.
Genome position (GRCh38, 1-based): chr4:87,614,152, A>C. VCF-style: chr4-87614152-A-C. GRCh37 (hg19) VCF-style: chr4-88535304-A-C.
Other names: short protein forms E497A.
Identifiers: ClinVar variation 2220238 (VCV002220238.4), dbSNP rs377310297, ClinGen allele CA3001108.
Genomic context (GRCh38, chr4:87,614,152, plus strand): 5'-CTAATTCAGAAAGTGACAATAACAGCAGTAGCCGAGGAGATGCTTCTTATAACTCTGATG[A>C]ATCAAAAGATAATGGCAATGGCAGTGACTCAAAAGGAGCAGAAGATGATGACAGTGATAG-3'
Protein context (NP_055023.2, residues 487-507): SRGDASYNSD[Glu497Ala]SKDNGNGSDS